The following is an entry in ClinVar:

NM_001080421.3(UNC13A):c.2685C>T (p.Ala895=)

Gene: UNC13A (unc-13 homolog A; minus strand). Cytogenetic location: 19p13.11.
Variant type: single nucleotide variant.
Coding change: c.2685C>T on transcript NM_001080421.3 (MANE Select); coding-DNA position 2685, C replaced by T.
Protein change: p.Ala895=; no amino-acid change (alanine 895 retained).
Molecular consequence: synonymous variant.
Genome position (GRCh38, 1-based): chr19:17,640,613, G>A on the plus strand (C>T on the coding strand, the complement: UNC13A is on the minus strand). VCF-style: chr19-17640613-G-A. GRCh37 (hg19) VCF-style: chr19-17751422-G-A.
Other names: c.2679C>T, p.Ala893= (NM_001387021.1, NM_001387022.1, NM_001387023.1).
Identifiers: ClinVar variation 3031315 (VCV003031315.2), dbSNP rs765733092, ClinGen allele CA9298186.

ClinVar aggregate classification (germline): Likely benign (0 of 4 stars; one submission).

Conditions:
UNC13A-related disorder. Also called: UNC13A-related condition.

Allele frequency attached by ClinVar (database versions not stated): gnomAD 0.00001; TOPMed 0.00003; ExAC 0.00008.
gnomAD v4.1: 67 of 1,589,252 alleles (0.0042%); highest among the groups gnomAD compares: Middle Eastern, 0.019%; no homozygotes.

Submission:

PreventionGenetics, part of Exact Sciences
Classification: Likely benign for UNC13A-related condition. Last evaluated: 2023-11-29. Review status: no assertion criteria provided. Collection method: clinical testing. Allele origin: germline.
Comment: This variant is classified as likely benign based on ACMG/AMP sequence variant interpretation guidelines (Richards et al. 2015 PMID: 25741868, with internal and published modifications).